The following is an entry in ClinVar:

ClinVar aggregate classification (germline): Conflicting classifications of pathogenicity. Review status: criteria provided, conflicting classifications (1 of 4 stars). 4 submissions from 4 submitters: Likely pathogenic (1); Uncertain significance (3). Last evaluated 2025-08-26.

Conditions:
Inborn genetic diseases. Identifiers: MedGen C0950123, MeSH D030342.
Neurodevelopmental delay. Identifiers: MedGen C4022738, HP:0012758.
SPATA5L1-related disorder.

Allele frequency attached by ClinVar (database versions not stated): gnomAD exomes 0.00001 and 0.00002; ExAC 0.00001; TOPMed 0.00001; gnomAD 0.00001.
gnomAD v4.1: 36 of 1,602,074 alleles (0.0022%); highest among the groups gnomAD compares: Non-Finnish European, 0.0029%; no homozygotes.

Submissions (4):

Ambry Genetics
Classification: Uncertain significance for Inborn genetic diseases. Last evaluated: 2025-08-26. Review status: criteria provided, single submitter. Criteria: Ambry Variant Classification Scheme 2023. Collection method: clinical testing. Allele origin: germline.

Labcorp Genetics (formerly Invitae), Labcorp
Classification: Uncertain significance. Last evaluated: 2024-03-14. Review status: criteria provided, single submitter. Criteria: Invitae Variant Classification Sherloc (09022015). Collection method: clinical testing. Allele origin: germline.
Comment: This sequence change replaces cysteine, which is neutral and slightly polar, with phenylalanine, which is neutral and non-polar, at codon 696 of the SPATA5L1 protein (p.Cys696Phe). This variant is present in population databases (rs747249958, gnomAD 0.002%). This missense change has been observed in individual(s) with SPATA5L1-related conditions (Invitae). ClinVar contains an entry for this variant (Variation ID: 1700127). An algorithm developed to predict the effect of missense changes on protein structure and function (PolyPhen-2) suggests that this variant is likely to be disruptive. In summary, the available evidence is currently insufficient to determine the role of this variant in disease. Therefore, it has been classified as a Variant of Uncertain Significance.

GeneDx
Classification: Uncertain significance. Last evaluated: 2023-02-13. Review status: criteria provided, single submitter. Criteria: GeneDx Variant Classification Process June 2021. Collection method: clinical testing. Allele origin: germline. Affected: yes.
Comment: Not observed at significant frequency in large population cohorts (gnomAD); In silico analysis supports that this missense variant has a deleterious effect on protein structure/function; Has not been previously published as pathogenic or benign to our knowledge

Centre de Biologie Pathologie Génétique, Centre Hospitalier Universitaire de Lille
Classification: Likely pathogenic for Neurodevelopmental delay. Review status: criteria provided, single submitter. Criteria: ACMG Guidelines, 2015. Collection method: clinical testing. Allele origin: biparental. Affected: yes.

NM_024063.3(AFG2B):c.2087G>T (p.Cys696Phe)

Gene: AFG2B (AAA ATPase AFG2B; plus strand). Cytogenetic location: 15q21.1.
Variant type: single nucleotide variant.
Coding change: c.2087G>T on transcript NM_024063.3 (MANE Select); coding-DNA position 2087, G replaced by T.
Protein change: p.Cys696Phe; replaces cysteine 696 with phenylalanine.
Molecular consequence: missense variant. On other transcripts: non-coding transcript variant (5).
Genome position (GRCh38, 1-based): chr15:45,418,675, G>T. VCF-style: chr15-45418675-G-T. GRCh37 (hg19) VCF-style: chr15-45710873-G-T.
Other names: c.2087G>T (NM_024063.2); short protein forms C696F.
Identifiers: ClinVar variation 1700127 (VCV001700127.5), dbSNP rs747249958, ClinGen allele CA7543592.
Genomic context (GRCh38, chr15:45,418,675, plus strand): 5'-CCTTAGAAAACCTCGCAGCAGAAACCTGTTTTTTTTCTGGAGCTGATCTTAGAAACCTCT[G>T]CACAGAAGTAAGTTAATTATTGAAGAAATTTGTGGTTCAAAACATTTCTGCATCTTTTCA-3'
Protein context (NP_076968.2, residues 686-706): FFSGADLRNL[Cys696Phe]TEAALLALQE